The following is an entry in ClinVar:

ClinVar aggregate classification (germline): Conflicting classifications of pathogenicity. Review status: criteria provided, conflicting classifications (1 of 4 stars). 2 submissions from 2 submitters: Likely pathogenic (1); Uncertain significance (1). Last evaluated 2025-11-01.

Conditions:
Familial hemiplegic migraine. Identifiers: MedGen C0338484, MONDO:0000700.

Allele frequency attached by ClinVar (database versions not stated): gnomAD exomes below 0.00001; gnomAD 0.00002; TOPMed 0.00002.
gnomAD v4.1: 11 of 1,614,030 alleles (0.00068%); highest among the groups gnomAD compares: African/African-American, 0.0027%; no homozygotes.

Submissions (2):

CeGaT Center for Human Genetics Tuebingen
Classification: Uncertain significance. Last evaluated: 2025-11-01. Review status: criteria provided, single submitter. Criteria: CeGaT Center For Human Genetics Tuebingen Variant Classification Criteria Version 2. Collection method: clinical testing. Allele origin: germline. Affected: yes. Observed: 1 variant allele.
Comment: ATP1A2: PM2, PM5:Supporting, PP3

Labcorp Genetics (formerly Invitae), Labcorp
Classification: Likely pathogenic for Familial hemiplegic migraine. Last evaluated: 2025-08-31. Review status: criteria provided, single submitter. Criteria: Invitae Variant Classification Sherloc (09022015). Collection method: clinical testing. Allele origin: germline.
Comment: This sequence change replaces arginine, which is basic and polar, with glutamine, which is neutral and polar, at codon 604 of the ATP1A2 protein (p.Arg604Gln). This variant is not present in population databases (gnomAD no frequency). This missense change has been observed in individual(s) with clinical features of ATP1A2-related conditions (internal data). ClinVar contains an entry for this variant (Variation ID: 567317). Invitae Evidence Modeling of protein sequence and biophysical properties (such as structural, functional, and spatial information, amino acid conservation, physicochemical variation, residue mobility, and thermodynamic stability) indicates that this missense variant is not expected to disrupt ATP1A2 protein function with a negative predictive value of 80%. This variant disrupts the p.Arg604 amino acid residue in ATP1A2. Other variant(s) that disrupt this residue have been determined to be pathogenic (PMID: 20837964). This suggests that this residue is clinically significant, and that variants that disrupt this residue are likely to be disease-causing. In summary, the currently available evidence indicates that the variant is pathogenic, but additional data are needed to prove that conclusively. Therefore, this variant has been classified as Likely Pathogenic.

Literature cited by the submitters: PubMed 20837964 (cited by Labcorp Genetics (formerly Invitae), Labcorp).

NM_000702.4(ATP1A2):c.1811G>A (p.Arg604Gln)

Gene: ATP1A2 (ATPase Na+/K+ transporting subunit alpha 2; plus strand). Cytogenetic location: 1q23.2.
Variant type: single nucleotide variant.
Coding change: c.1811G>A on transcript NM_000702.4 (MANE Select); coding-DNA position 1811, G replaced by A.
Protein change: p.Arg604Gln; replaces arginine 604 with glutamine.
Molecular consequence: missense variant.
Genome position (GRCh38, 1-based): chr1:160,130,581, G>A. VCF-style: chr1-160130581-G-A. GRCh37 (hg19) VCF-style: chr1-160100371-G-A.
Other names: short protein forms R604Q.
Identifiers: ClinVar variation 567317 (VCV000567317.16), dbSNP rs747238010, ClinGen allele CA31498054.